The following is an entry in ClinVar:

ClinVar aggregate classification (germline): Uncertain significance (1 of 4 stars; one submission).

Submission:

Institute for Human Genetics, University Hospital Essen
Classification: Uncertain significance. Last evaluated: 2005-03-05. Review status: criteria provided, single submitter. Criteria: ACMG Guidelines, 2015. Collection method: clinical testing. Allele origin: de novo. Affected: yes.
Comment: PM2_supp, PS2

NR_002757.3(RNU5B-1):n.24G>A

Genes: RNU5B-1 (RNA, U5B small nuclear 1; plus strand), LOC130057317 (ATAC-STARR-seq lymphoblastoid silent region 6555; plus strand). Cytogenetic location: 15q22.31.
Variant type: single nucleotide variant.
Molecular consequence: non-coding transcript variant (on NR_002757.3).
Genome position: GRCh38 VCF-style: chr15-65304700-G-A. GRCh37 (hg19) VCF-style: chr15-65597038-G-A.
Identifiers: ClinVar variation 3770183 (VCV003770183.1).